The following is an entry in ClinVar:

ClinVar aggregate classification (germline): Uncertain significance. Review status: criteria provided, multiple submitters, no conflicts (2 of 4 stars). 2 submissions from 2 submitters: Uncertain significance (2). Last evaluated 2024-11-17.

Conditions:
Microcephaly, normal intelligence and immunodeficiency (NBS). Also called: SEEMANOVA SYNDROME II; Immunodeficiency, microcephaly with normal intelligence; IMMUNODEFICIENCY, MICROCEPHALY, AND CHROMOSOMAL INSTABILITY; Nijmegen breakage syndrome; Microcephaly with normal intelligence immunodeficiency and lymphoreticular malignancies; Nonsyndromal microcephaly autosomal recessive with normal intelligence. Identifiers: Orphanet 647, MedGen C0398791, MONDO:0009623, OMIM 251260.
Hereditary cancer-predisposing syndrome. Also called: Neoplastic Syndromes, Hereditary; Hereditary Cancer Syndrome; Tumor predisposition; Hereditary neoplastic syndrome. Identifiers: Orphanet 140162, MedGen C0027672, MeSH D009386, MONDO:0015356.

Submissions (2):

Ambry Genetics
Classification: Uncertain significance for Hereditary cancer-predisposing syndrome. Last evaluated: 2024-11-17. Review status: criteria provided, single submitter. Criteria: Ambry Variant Classification Scheme 2023. Collection method: clinical testing. Allele origin: germline.
Comment: The p.N640D variant (also known as c.1918A>G), located in coding exon 13 of the NBN gene, results from an A to G substitution at nucleotide position 1918. The asparagine at codon 640 is replaced by aspartic acid, an amino acid with highly similar properties. This amino acid position is not well conserved in available vertebrate species. In addition, this alteration is predicted to be tolerated by in silico analysis. Since supporting evidence is limited at this time, the clinical significance of this alteration remains unclear.

Labcorp Genetics (formerly Invitae), Labcorp
Classification: Uncertain significance for Microcephaly, normal intelligence and immunodeficiency. Last evaluated: 2021-09-01. Review status: criteria provided, single submitter. Criteria: Invitae Variant Classification Sherloc (09022015). Collection method: clinical testing. Allele origin: germline.
Comment: This sequence change replaces asparagine with aspartic acid at codon 640 of the NBN protein (p.Asn640Asp). The asparagine residue is weakly conserved and there is a small physicochemical difference between asparagine and aspartic acid. This variant is not present in population databases (ExAC no frequency). This variant has not been reported in the literature in individuals affected with NBN-related conditions. Algorithms developed to predict the effect of missense changes on protein structure and function (SIFT, PolyPhen-2, Align-GVGD) all suggest that this variant is likely to be tolerated. In summary, the available evidence is currently insufficient to determine the role of this variant in disease. Therefore, it has been classified as a Variant of Uncertain Significance.

NM_002485.5(NBN):c.1918A>G (p.Asn640Asp)

Gene: NBN (nibrin; minus strand). Cytogenetic location: 8q21.3.
Variant type: single nucleotide variant.
Coding change: c.1918A>G on transcript NM_002485.5 (MANE Select); coding-DNA position 1918, A replaced by G.
Protein change: p.Asn640Asp; replaces asparagine 640 with aspartic acid.
Molecular consequence: missense variant.
Genome position (GRCh38, 1-based): chr8:89,946,292, T>C on the plus strand (A>G on the coding strand, the complement: NBN is on the minus strand). VCF-style: chr8-89946292-T-C. GRCh37 (hg19) VCF-style: chr8-90958520-T-C.
Other names: c.1672A>G, p.Asn558Asp (NM_001024688.3); short protein forms N558D, N640D.
Identifiers: ClinVar variation 1035570 (VCV001035570.9), dbSNP rs1810188771, ClinGen allele CA371676807.